The following is an entry in ClinVar:

NM_001283009.2(RTEL1):c.2401C>G (p.Gln801Glu)

Genes: RTEL1-TNFRSF6B (RTEL1-TNFRSF6B readthrough (NMD candidate); plus strand), RTEL1 (regulator of telomere elongation helicase 1; plus strand). Cytogenetic location: 20q13.33.
Variant type: single nucleotide variant.
Coding change: c.2401C>G on transcript NM_001283009.2 (MANE Select); coding-DNA position 2401, C replaced by G.
Protein change: p.Gln801Glu; replaces glutamine 801 with glutamic acid.
Molecular consequence: missense variant. On other transcripts: non-coding transcript variant (1).
Genome position (GRCh38, 1-based): chr20:63,690,429, C>G. VCF-style: chr20-63690429-C-G. GRCh37 (hg19) VCF-style: chr20-62321782-C-G.
Other names: c.1732C>G, p.Gln578Glu (NM_001283010.1); c.2401C>G, p.Gln801Glu (NM_016434.4); c.2473C>G, p.Gln825Glu (NM_032957.5); short protein forms Q578E, Q801E, Q825E.
Identifiers: ClinVar variation 3761545 (VCV003761545.2).

ClinVar aggregate classification (germline): Uncertain significance (1 of 4 stars; one submission).

Conditions:
Dyskeratosis congenita, autosomal recessive 5 (DKCB5). Identifiers: MedGen C3554656, MONDO:0014076, OMIM 615190.
Pulmonary fibrosis and/or bone marrow failure, Telomere-related, 3. Also called: PULMONARY FIBROSIS AND/OR BONE MARROW FAILURE SYNDROME, TELOMERE-RELATED, 3. Identifiers: Orphanet 2032, MedGen C4225346, MONDO:0014613, OMIM 616373.

Submission:

Labcorp Genetics (formerly Invitae), Labcorp
Classification: Uncertain significance for Dyskeratosis congenita, autosomal recessive 5; Pulmonary fibrosis and/or bone marrow failure, Telomere-related, 3. Last evaluated: 2024-08-28. Review status: criteria provided, single submitter. Criteria: Invitae Variant Classification Sherloc (09022015). Collection method: clinical testing. Allele origin: germline.
Comment: This sequence change replaces glutamine, which is neutral and polar, with glutamic acid, which is acidic and polar, at codon 801 of the RTEL1 protein (p.Gln801Glu). This variant is not present in population databases (gnomAD no frequency). This variant has not been reported in the literature in individuals affected with RTEL1-related conditions. An algorithm developed to predict the effect of missense changes on protein structure and function (PolyPhen-2) suggests that this variant is likely to be tolerated. In summary, the available evidence is currently insufficient to determine the role of this variant in disease. Therefore, it has been classified as a Variant of Uncertain Significance.